The following is an entry in ClinVar:

NM_015338.6(ASXL1):c.2059T>C (p.Cys687Arg)

Gene: ASXL1 (ASXL transcriptional regulator 1; plus strand). Cytogenetic location: 20q11.21.
Variant type: single nucleotide variant.
Coding change: c.2059T>C on transcript NM_015338.6 (MANE Select); coding-DNA position 2059, T replaced by C.
Protein change: p.Cys687Arg; replaces cysteine 687 with arginine.
Molecular consequence: missense variant.
Genome position (GRCh38, 1-based): chr20:32,434,771, T>C. VCF-style: chr20-32434771-T-C. GRCh37 (hg19) VCF-style: chr20-31022574-T-C.
Other names: c.1876T>C, p.Cys626Arg (NM_001363734.1); short protein forms C626R, C687R.
Identifiers: ClinVar variation 715200 (VCV000715200.40), dbSNP rs140197482, ClinGen allele CA9808530.

ClinVar aggregate classification (germline): Benign/Likely benign. Review status: criteria provided, multiple submitters, no conflicts (2 of 4 stars). 7 submissions from 7 submitters: Benign (2); Likely benign (4). 1 of the submissions does not count toward it. Last evaluated 2026-01-28.

Conditions:
Bohring-Opitz syndrome. Also called: BOHRING SYNDROME; OPITZ TRIGONOCEPHALY-LIKE SYNDROME; ASXL1-Related Bohring-Opitz Syndrome; C-LIKE SYNDROME. Identifiers: Orphanet 97297, MedGen C0796232, MONDO:0011510, OMIM 605039.
ASXL1-related disorder. Also called: ASXL1-related disorders; ASXL1-related condition.
Myelodysplastic syndrome (MDS). Also called: MYELODYSPLASTIC SYNDROME, SUSCEPTIBILITY TO; Myelodysplastic syndromes; Myelodysplastic syndrome, somatic. Identifiers: Orphanet 52688, MedGen C3463824, MeSH D009190, MONDO:0018881, OMIM 614286.

Allele frequency attached by ClinVar (database versions not stated): gnomAD exomes 0.00011 and 0.00020; ExAC 0.00021; gnomAD 0.00073 and 0.00076; TOPMed 0.00077; ESP Exome Variant Server 0.00108.
gnomAD v4.1: 279 of 1,613,710 alleles (0.017%); highest among the groups gnomAD compares: African/African-American, 0.23%; 1 homozygote.

Submissions (7):

Labcorp Genetics (formerly Invitae), Labcorp
Classification: Likely benign. Last evaluated: 2026-01-28. Review status: criteria provided, single submitter. Criteria: Invitae Variant Classification Sherloc (09022015). Collection method: clinical testing. Allele origin: germline.

Blueprint Genetics
Classification: Likely benign. Last evaluated: 2024-10-25. Review status: criteria provided, single submitter. Criteria: ACMG Guidelines, 2015. Collection method: clinical testing. Allele origin: germline.

CeGaT Center for Human Genetics Tuebingen
Classification: Likely benign. Last evaluated: 2023-02-01. Review status: criteria provided, single submitter. Criteria: CeGaT Center For Human Genetics Tuebingen Variant Classification Criteria Version 2. Collection method: clinical testing. Allele origin: germline. Affected: yes. Observed: 1 variant allele.
Comment: ASXL1: BP4, BS1

Genome-Nilou Lab
Classification: Benign for Bohring-Opitz syndrome. Last evaluated: 2021-12-05. Review status: criteria provided, single submitter. Criteria: ACMG Guidelines, 2015. Collection method: clinical testing. Allele origin: germline. Affected: no.

Fulgent Genetics
Classification: Likely benign for Bohring-Opitz syndrome; Myelodysplastic syndrome. Last evaluated: 2021-11-12. Review status: criteria provided, single submitter. Criteria: ACMG Guidelines, 2015. Collection method: clinical testing. Allele origin: unknown.

GeneDx
Classification: Benign. Last evaluated: 2020-08-05. Review status: criteria provided, single submitter. Criteria: GeneDx Variant Classification Process June 2021. Collection method: clinical testing. Allele origin: germline. Affected: yes.

PreventionGenetics, part of Exact Sciences
Classification: Likely benign for ASXL1-related condition. Last evaluated: 2020-03-20. Review status: no assertion criteria provided. Collection method: clinical testing. Allele origin: germline. Not counted in ClinVar's aggregate classification.
Comment: This variant is classified as likely benign based on ACMG/AMP sequence variant interpretation guidelines (Richards et al. 2015 PMID: 25741868, with internal and published modifications).